The following is an entry in ClinVar:

NM_032638.5(GATA2):c.1396_1397del (p.Ser466fs)

Gene: GATA2 (GATA binding protein 2; minus strand). Cytogenetic location: 3q21.3.
Variant type: Microsatellite.
Coding change: c.1396_1397del on transcript NM_032638.5 (MANE Select); coding-DNA positions 1396 to 1397, 2 bases deleted (TC; older notation c.1396_1397delTC).
Protein change: p.Ser466fs; shifts the reading frame from serine 466.
Molecular consequence: frameshift variant.
Genome position (GRCh38, 1-based): chr3:128,481,065-128,481,066, GA deleted on the plus strand (TC on the coding strand, the reverse complement: GATA2 is on the minus strand); deleting any 2 consecutive bases within chr3:128,481,065-128,481,069 gives the same sequence; the c. name uses the placement nearest the transcript's 3' end. VCF-style (leftmost placement, unchanged base first): chr3-128481064-GGA-G. GRCh37 (hg19) VCF-style: chr3-128199907-GGA-G.
Other names: c.1396_1397del, p.Ser466fs (NM_001145661.2); c.1354_1355del, p.Ser452fs (NM_001145662.1); short protein forms S452fs, S466fs.
Identifiers: ClinVar variation 1436785 (VCV001436785.6), dbSNP rs2107667691, ClinGen allele CA2580616526.

ClinVar aggregate classification (germline): Uncertain significance (1 of 4 stars; one submission).

Conditions:
Deafness-lymphedema-leukemia syndrome. Also called: Lymphedema, primary, with myelodysplasia; Emberger syndrome. Identifiers: Orphanet 3226, MedGen C3279664, MONDO:0013540, OMIM 614038.
Monocytopenia with susceptibility to infections. Also called: MONOCYTOPENIA AND MYCOBACTERIAL INFECTION SYNDROME; MONOCYTOPENIA WITH SUSCEPTIBILITY TO MYCOBACTERIAL, FUNGAL, AND PAPILLOMAVIRUS INFECTIONS AND MYELODYSPLASIA; COMBINED IMMUNODEFICIENCY WITH SUSCEPTIBILITY TO MYCOBACTERIAL, VIRAL, AND FUNGAL INFECTIONS; Dendritic cell, monocyte, B lymphocyte, and natural killer lymphocyte deficiency; IMMUNODEFICIENCY 21; GATA2 DEFICIENCY. Identifiers: Orphanet 228423, MedGen C3280030, MONDO:0013607, OMIM 614172.

Submission:

Labcorp Genetics (formerly Invitae), Labcorp
Classification: Uncertain significance for Monocytopenia with susceptibility to infections; Deafness-lymphedema-leukemia syndrome. Last evaluated: 2021-09-16. Review status: criteria provided, single submitter. Criteria: Invitae Variant Classification Sherloc (09022015). Collection method: clinical testing. Allele origin: germline.
Comment: In summary, the available evidence is currently insufficient to determine the role of this variant in disease. Therefore, it has been classified as a Variant of Uncertain Significance. Experimental studies and prediction algorithms are not available or were not evaluated, and the functional significance of this variant is currently unknown. This variant has not been reported in the literature in individuals affected with GATA2-related conditions. This variant is not present in population databases (ExAC no frequency). This sequence change results in a frameshift in the GATA2 gene (p.Ser466Leufs*69). While this is not anticipated to result in nonsense mediated decay, it is expected to disrupt the last 15 amino acid(s) of the GATA2 protein and extend the protein by 53 additional amino acid residues.